The following is an entry in ClinVar:

NM_024675.4(PALB2):c.2143G>A (p.Asp715Asn)

Gene: PALB2 (partner and localizer of BRCA2; minus strand). Cytogenetic location: 16p12.2.
Variant type: single nucleotide variant.
Coding change: c.2143G>A on transcript NM_024675.4 (MANE Select); coding-DNA position 2143, G replaced by A.
Protein change: p.Asp715Asn; replaces aspartic acid 715 with asparagine.
Molecular consequence: missense variant.
Genome position (GRCh38, 1-based): chr16:23,630,011, C>T on the plus strand (G>A on the coding strand, the complement: PALB2 is on the minus strand). VCF-style: chr16-23630011-C-T. GRCh37 (hg19) VCF-style: chr16-23641332-C-T.
Other names: c.2143G>A (NM_024675.3); short protein forms D715N.
Identifiers: ClinVar variation 1372305 (VCV001372305.8), dbSNP rs2142379989, ClinGen allele CA395125713.

ClinVar aggregate classification (germline): Uncertain significance. Review status: criteria provided, multiple submitters, no conflicts (2 of 4 stars). 2 submissions from 2 submitters: Uncertain significance (2). Last evaluated 2024-02-23.

Conditions:
Hereditary cancer-predisposing syndrome. Also called: Neoplastic Syndromes, Hereditary; Tumor predisposition; Hereditary neoplastic syndrome; Hereditary Cancer Syndrome. Identifiers: Orphanet 140162, MedGen C0027672, MeSH D009386, MONDO:0015356.
Familial cancer of breast. Also called: hereditary breast carcinoma; Hereditary breast cancer; BREAST CANCER, FAMILIAL. Identifiers: Orphanet 227535, MedGen C0346153, MONDO:0016419, OMIM 114480. Disease mechanism: loss of function.

gnomAD v4.1: 1 of 1,614,080 alleles (0.000062%); no homozygotes.

Submissions (2):

Labcorp Genetics (formerly Invitae), Labcorp
Classification: Uncertain significance for Familial cancer of breast. Last evaluated: 2024-02-23. Review status: criteria provided, single submitter. Criteria: Invitae Variant Classification Sherloc (09022015). Collection method: clinical testing. Allele origin: germline.
Comment: This sequence change replaces aspartic acid, which is acidic and polar, with asparagine, which is neutral and polar, at codon 715 of the PALB2 protein (p.Asp715Asn). This variant is not present in population databases (gnomAD no frequency). This variant has not been reported in the literature in individuals affected with PALB2-related conditions. ClinVar contains an entry for this variant (Variation ID: 1372305). Advanced modeling of protein sequence and biophysical properties (such as structural, functional, and spatial information, amino acid conservation, physicochemical variation, residue mobility, and thermodynamic stability) performed at Invitae indicates that this missense variant is not expected to disrupt PALB2 protein function with a negative predictive value of 80%. In summary, the available evidence is currently insufficient to determine the role of this variant in disease. Therefore, it has been classified as a Variant of Uncertain Significance.

Ambry Genetics
Classification: Uncertain significance for Hereditary cancer-predisposing syndrome. Last evaluated: 2022-12-26. Review status: criteria provided, single submitter. Criteria: Ambry Variant Classification Scheme 2023. Collection method: clinical testing. Allele origin: germline.
Comment: The p.D715N variant (also known as c.2143G>A), located in coding exon 5 of the PALB2 gene, results from a G to A substitution at nucleotide position 2143. The aspartic acid at codon 715 is replaced by asparagine, an amino acid with highly similar properties. This amino acid position is conserved. In addition, this alteration is predicted to be tolerated by in silico analysis. Since supporting evidence is limited at this time, the clinical significance of this alteration remains unclear.